The following is an entry in ClinVar:

NM_002834.5(PTPN11):c.1282G>T (p.Val428Leu)

Gene: PTPN11 (protein tyrosine phosphatase non-receptor type 11; plus strand). Cytogenetic location: 12q24.13.
Variant type: single nucleotide variant.
Coding change: c.1282G>T on transcript NM_002834.5 (MANE Select); coding-DNA position 1282, G replaced by T.
Protein change: p.Val428Leu; replaces valine 428 with leucine.
Molecular consequence: missense variant.
Genome position (GRCh38, 1-based): chr12:112,486,532, G>T. VCF-style: chr12-112486532-G-T. GRCh37 (hg19) VCF-style: chr12-112924336-G-T.
Other names: c.1294G>T, p.Val432Leu (NM_001330437.2); c.1279G>T, p.Val427Leu (NM_001374625.1); c.1282G>T, p.Val428Leu (NM_080601.3); c.1282G>T (NM_002834.4); short protein forms V432L, V427L, V428L.
Identifiers: ClinVar variation 852241 (VCV000852241.16), dbSNP rs397507536, ClinGen allele CA386777256.

ClinVar aggregate classification (germline): Pathogenic/Likely pathogenic. Review status: criteria provided, multiple submitters, no conflicts (2 of 4 stars). 5 submissions from 5 submitters: Pathogenic (1); Likely pathogenic (4). Last evaluated 2025-03-19.

Conditions:
LEOPARD syndrome 1 (LPRD1). Also called: LENTIGINOSIS, CARDIOMYOPATHIC; MULTIPLE LENTIGINES SYNDROME; PTPN11-Related LEOPARD Syndrome. Identifiers: Orphanet 500, MedGen C4551484, MONDO:0100082, OMIM 151100.
Metachondromatosis (METCDS). Identifiers: Orphanet 2499, MedGen C0410530, MONDO:0007979, OMIM 156250.
Juvenile myelomonocytic leukemia (JMML). Also called: LEUKEMIA, JUVENILE MYELOMONOCYTIC, SOMATIC. Identifiers: Orphanet 86834, MedGen C0349639, MONDO:0011908, OMIM 607785, HP:0012209.
Noonan syndrome 1 (NS1). Also called: FEMALE PSEUDO-TURNER SYNDROME; TURNER PHENOTYPE WITH NORMAL KARYOTYPE; PTPN11-Related Noonan Syndrome. Identifiers: Orphanet 648, MedGen C4551602, MONDO:0008104, OMIM 163950. Disease mechanism: gain of function.
PTPN11-related disorder. Also called: PTPN11-Related Disorders.
RASopathy. Also called: rasopathies; Noonan spectrum disorder. Identifiers: Orphanet 536391, MedGen C5555857, MONDO:0021060.

gnomAD v4.1: 4 of 1,614,222 alleles (0.00025%); highest among the groups gnomAD compares: Non-Finnish European, 0.00017%; no homozygotes.

Submissions (5):

PreventionGenetics, part of Exact Sciences
Classification: Likely pathogenic for PTPN11-related condition. Last evaluated: 2025-03-19. Review status: criteria provided, single submitter. Criteria: ACMG Guidelines, 2015. Collection method: clinical testing. Allele origin: germline.
Comment: The PTPN11 c.1282G>T variant is predicted to result in the amino acid substitution p.Val428Leu. This variant was reported in an individual with Noonan syndrome and found to be inherited from a mother that did not meet the clinical criteria for diagnosis of Noonan syndrome (Patient 18 in Lepri et al. 2014. PubMed ID: 24451042). This variant has not been reported in a large population database (gnomAD), indicating this variant is rare. Of note, another variant impacting the same amino acid (p.Val428Met) has also been reported as de novo in patient with a PTPN11-related disorder (Imafidon et al. 2021. PubMed ID: 34136434). Based on this evidence, the c.1282G>T (p.Val428Leu) is interpreted as likely pathogenic.

GeneDx
Classification: Likely pathogenic. Last evaluated: 2025-02-03. Review status: criteria provided, single submitter. Criteria: GeneDx Variant Classification Process June 2021. Collection method: clinical testing. Allele origin: germline. Affected: yes.
Comment: Missense variants in this gene are a common cause of disease and they are underrepresented in the general population; Not observed at significant frequency in large population cohorts (gnomAD); In silico analysis supports that this missense variant has a deleterious effect on protein structure/function; This variant is associated with the following publications: (PMID: 30355600, 29493581, 24451042, 34136434)

Labcorp Genetics (formerly Invitae), Labcorp
Classification: Pathogenic for RASopathy. Last evaluated: 2025-01-24. Review status: criteria provided, single submitter. Criteria: Invitae Variant Classification Sherloc (09022015). Collection method: clinical testing. Allele origin: germline.
Comment: This sequence change replaces valine, which is neutral and non-polar, with leucine, which is neutral and non-polar, at codon 428 of the PTPN11 protein (p.Val428Leu). This variant is not present in population databases (gnomAD no frequency). This missense change has been observed in individual(s) with clinical features of a RASopathy disorder (PMID: 24451042; internal data). In at least one individual the variant was observed to be de novo. ClinVar contains an entry for this variant (Variation ID: 852241). Invitae Evidence Modeling of protein sequence and biophysical properties (such as structural, functional, and spatial information, amino acid conservation, physicochemical variation, residue mobility, and thermodynamic stability) indicates that this missense variant is expected to disrupt PTPN11 protein function with a positive predictive value of 95%. For these reasons, this variant has been classified as Pathogenic.

Fulgent Genetics
Classification: Likely pathogenic for LEOPARD syndrome 1; Metachondromatosis; Noonan syndrome 1; Juvenile myelomonocytic leukemia. Last evaluated: 2024-02-15. Review status: criteria provided, single submitter. Criteria: ACMG Guidelines, 2015. Collection method: clinical testing. Allele origin: germline.

Greenwood Genetic Center Diagnostic Laboratories, Greenwood Genetic Center
Classification: Likely pathogenic for Noonan syndrome 1. Last evaluated: 2023-11-28. Review status: criteria provided, single submitter. Criteria: ACMG Guidelines, 2015. Collection method: clinical testing. Allele origin: germline. Affected: yes.
Comment: PS4_Supporting, PM2, PM5_Supporting, PP2, PP3

Literature cited by the submitters: PubMed 24451042 (cited by Labcorp Genetics (formerly Invitae), Labcorp).